The following is an entry in ClinVar:

NM_006074.5(TRIM22):c.1188A>G (p.Lys396=)

Gene: TRIM22 (tripartite motif containing 22; plus strand). Cytogenetic location: 11p15.4.
Variant type: single nucleotide variant.
Coding change: c.1188A>G on transcript NM_006074.5 (MANE Select); coding-DNA position 1188, A replaced by G.
Protein change: p.Lys396=; no amino-acid change (lysine 396 retained).
Molecular consequence: synonymous variant.
Genome position (GRCh38, 1-based): chr11:5,709,339, A>G. VCF-style: chr11-5709339-A-G. GRCh37 (hg19) VCF-style: chr11-5730569-A-G.
Other names: c.1176A>G, p.Lys392= (NM_001199573.2).
Identifiers: ClinVar variation 4981621 (VCV004981621.1).
Genomic context (GRCh38, chr11:5,709,339, plus strand): 5'-TAGTCTGAATAAAAGGAAGAGCTCTGGGTTTGCTTTTGATCCAAGTGTAAATTATTCAAA[A>G]GTTTACTCCAGATATAGACCTCAATATGGCTACTGGGTTATAGGATTACAGAATACATGT-3'
Protein context (NP_006065.2, residues 386-406): FAFDPSVNYS[Lys396=]VYSRYRPQYG

ClinVar aggregate classification (germline): Likely benign (1 of 4 stars; one submission).

Conditions:
TRIM22-related disorder. Also called: TRIM22-related condition.

gnomAD v4.1: 348 of 1,614,032 alleles (0.022%); highest among the groups gnomAD compares: Non-Finnish European, 0.028%; no homozygotes.

Submission:

PreventionGenetics, part of Exact Sciences
Classification: Likely benign for TRIM22-related condition. Last evaluated: 2026-06-24. Review status: criteria provided, single submitter. Criteria: ACMG Guidelines, 2015. Collection method: clinical testing. Allele origin: germline.
Comment: This variant is classified as likely benign based on ACMG/AMP sequence variant interpretation guidelines (Richards et al. 2015 PMID: 25741868, with internal and published modifications).